The following is an entry in ClinVar:

ClinVar aggregate classification (germline): Conflicting classifications of pathogenicity. Review status: criteria provided, conflicting classifications (1 of 4 stars). 2 submissions from 2 submitters: Uncertain significance (1); Likely benign (1). Last evaluated 2025-09-03.

Allele frequency attached by ClinVar (database versions not stated): gnomAD exomes 0.00001; ExAC 0.00002; TOPMed 0.00003; gnomAD 0.00004.
gnomAD v4.1: 18 of 1,613,870 alleles (0.0011%); highest among the groups gnomAD compares: African/African-American, 0.0053%; no homozygotes.

Submissions (2):

Labcorp Genetics (formerly Invitae), Labcorp
Classification: Uncertain significance. Last evaluated: 2025-09-03. Review status: criteria provided, single submitter. Criteria: Invitae Variant Classification Sherloc (09022015). Collection method: clinical testing. Allele origin: germline.
Comment: This sequence change replaces alanine, which is neutral and non-polar, with threonine, which is neutral and polar, at codon 1048 of the ATP2B4 protein (p.Ala1048Thr). This variant is present in population databases (rs766543785, gnomAD 0.006%). This variant has not been reported in the literature in individuals affected with ATP2B4-related conditions. ClinVar contains an entry for this variant (Variation ID: 2197535). Invitae Evidence Modeling of protein sequence and biophysical properties (such as structural, functional, and spatial information, amino acid conservation, physicochemical variation, residue mobility, and thermodynamic stability) indicates that this missense variant is not expected to disrupt ATP2B4 protein function with a negative predictive value of 80%. In summary, the available evidence is currently insufficient to determine the role of this variant in disease. Therefore, it has been classified as a Variant of Uncertain Significance.

Ambry Genetics
Classification: Likely benign. Last evaluated: 2021-06-11. Review status: criteria provided, single submitter. Criteria: Ambry Variant Classification Scheme 2023. Collection method: clinical testing. Allele origin: germline.

NM_001684.5(ATP2B4):c.3142G>A (p.Ala1048Thr)

Gene: ATP2B4 (ATPase plasma membrane Ca2+ transporting 4; plus strand). Cytogenetic location: 1q32.1.
Variant type: single nucleotide variant.
Coding change: c.3142G>A on transcript NM_001684.5 (MANE Select); coding-DNA position 3142, G replaced by A.
Protein change: p.Ala1048Thr; replaces alanine 1048 with threonine.
Molecular consequence: missense variant.
Genome position (GRCh38, 1-based): chr1:203,727,404, G>A. VCF-style: chr1-203727404-G-A. GRCh37 (hg19) VCF-style: chr1-203696532-G-A.
Other names: c.3142G>A, p.Ala1048Thr (NM_001001396.3, NM_001365783.2, NM_001365784.2); c.3142G>A (NM_001684.4); short protein forms A1048T.
Identifiers: ClinVar variation 2197535 (VCV002197535.5), dbSNP rs766543785, ClinGen allele CA1342067.